The following is an entry in ClinVar:

ClinVar aggregate classification (germline): Uncertain significance. Review status: criteria provided, multiple submitters, no conflicts (2 of 4 stars). 2 submissions from 2 submitters: Uncertain significance (2). Last evaluated 2024-01-04.

Conditions:
Congenital disorder of glycosylation, type Ii. Also called: ALG2-congenital disorder of glycosylation; ALG2-CDG; CDG Ii. Identifiers: Orphanet 79326, MedGen C1842836, MONDO:0011933, OMIM 607906.
Congenital myasthenic syndrome 14. Also called: Myasthenic syndrome, congenital, 14, with tubular aggregates. Identifiers: Orphanet 353327, Orphanet 590, MedGen C4015597, MONDO:0014543, OMIM 616228.
Inborn genetic diseases. Identifiers: MedGen C0950123, MeSH D030342.

Submissions (2):

Ambry Genetics
Classification: Uncertain significance for Inborn genetic diseases. Last evaluated: 2024-01-04. Review status: criteria provided, single submitter. Criteria: Ambry Variant Classification Scheme 2023. Collection method: clinical testing. Allele origin: germline.

Labcorp Genetics (formerly Invitae), Labcorp
Classification: Uncertain significance for Congenital disorder of glycosylation, type Ii; Congenital myasthenic syndrome 14. Last evaluated: 2022-08-09. Review status: criteria provided, single submitter. Criteria: Invitae Variant Classification Sherloc (09022015). Collection method: clinical testing. Allele origin: germline.
Comment: In summary, the available evidence is currently insufficient to determine the role of this variant in disease. Therefore, it has been classified as a Variant of Uncertain Significance. Algorithms developed to predict the effect of missense changes on protein structure and function (SIFT, PolyPhen-2, Align-GVGD) all suggest that this variant is likely to be tolerated. ClinVar contains an entry for this variant (Variation ID: 1425983). This variant has not been reported in the literature in individuals affected with ALG2-related conditions. This variant is not present in population databases (gnomAD no frequency). This sequence change replaces glutamine, which is neutral and polar, with histidine, which is basic and polar, at codon 338 of the ALG2 protein (p.Gln338His).

NM_033087.4(ALG2):c.1014G>T (p.Gln338His)

Gene: ALG2 (ALG2 alpha-1,3/1,6-mannosyltransferase; minus strand). Cytogenetic location: 9q22.33.
Variant type: single nucleotide variant.
Coding change: c.1014G>T on transcript NM_033087.4 (MANE Select); coding-DNA position 1014, G replaced by T.
Protein change: p.Gln338His; replaces glutamine 338 with histidine.
Molecular consequence: missense variant. On other transcripts: non-coding transcript variant (1).
Genome position (GRCh38, 1-based): chr9:99,218,171, C>A on the plus strand (G>T on the coding strand, the complement: ALG2 is on the minus strand). VCF-style: chr9-99218171-C-A. GRCh37 (hg19) VCF-style: chr9-101980453-C-A.
Other names: c.1014G>T (NM_033087.3); short protein forms Q338H.
Identifiers: ClinVar variation 1425983 (VCV001425983.7), dbSNP rs2118998218, ClinGen allele CA374226490.